The following is an entry in ClinVar:

ClinVar aggregate classification (germline): Uncertain significance (1 of 4 stars; one submission).

Conditions:
Hereditary breast ovarian cancer syndrome. Also called: Hereditary breast and/or ovarian cancer syndrome; Hereditary breast and ovarian cancer syndrome (HBOC); Breast and ovarian cancer; Hereditary breast and ovarian cancer syndrome; Hereditary breast and ovarian cancer; BRCA1- and BRCA2-Associated Hereditary Breast and Ovarian Cancer. Identifiers: Orphanet 145, MedGen C0677776, MeSH D061325, MONDO:0003582. Disease mechanism: loss of function.

gnomAD v4.1: 1 of 1,614,192 alleles (0.000062%); highest among the groups gnomAD compares: East Asian, 0.0022%; no homozygotes.

Submission:

Labcorp Genetics (formerly Invitae), Labcorp
Classification: Uncertain significance for Hereditary breast ovarian cancer syndrome. Last evaluated: 2023-12-21. Review status: criteria provided, single submitter. Criteria: Invitae Variant Classification Sherloc (09022015). Collection method: clinical testing. Allele origin: germline.
Comment: This sequence change replaces serine, which is neutral and polar, with isoleucine, which is neutral and non-polar, at codon 324 of the BRCA1 protein (p.Ser324Ile). This variant is not present in population databases (gnomAD no frequency). This variant has not been reported in the literature in individuals affected with BRCA1-related conditions. Advanced modeling of protein sequence and biophysical properties (such as structural, functional, and spatial information, amino acid conservation, physicochemical variation, residue mobility, and thermodynamic stability) performed at Invitae indicates that this missense variant is not expected to disrupt BRCA1 protein function with a negative predictive value of 95%. In summary, the available evidence is currently insufficient to determine the role of this variant in disease. Therefore, it has been classified as a Variant of Uncertain Significance.

NM_007294.4(BRCA1):c.971G>T (p.Ser324Ile)

Gene: BRCA1 (BRCA1 DNA repair associated; minus strand). Cytogenetic location: 17q21.31.
Variant type: single nucleotide variant.
Coding change: c.971G>T on transcript NM_007294.4 (MANE Select); coding-DNA position 971, G replaced by T.
Protein change: p.Ser324Ile; replaces serine 324 with isoleucine.
Molecular consequence: missense variant. On other transcripts: intron variant (137).
Genome position (GRCh38, 1-based): chr17:43,094,560, C>A on the plus strand (G>T on the coding strand, the complement: BRCA1 is on the minus strand). VCF-style: chr17-43094560-C-A. GRCh37 (hg19) VCF-style: chr17-41246577-C-A.
Other names: c.830G>T, p.Ser277Ile (NM_001407945.1, NM_001407692.1, NM_001407694.1 and 29 more transcripts); c.638G>T, p.Ser213Ile (NM_001407947.1, NM_001407946.1, NM_001407948.1 and 6 more transcripts); c.635G>T, p.Ser212Ile (NM_001407954.1, NM_001407955.1, NM_001407956.1 and 1 more transcripts); c.590G>T, p.Ser197Ile (NM_001407959.1, NM_001407960.1, NM_001407963.1); c.587G>T, p.Ser196Ile (NM_001407962.1); c.523+184G>T (NM_001408498.1, NM_001408501.1, NM_001408500.1 and 3 more transcripts); c.646+184G>T (NM_001408467.1, NM_001408459.1, NM_001408455.1 and 11 more transcripts); c.583+184G>T (NM_001408475.1); and 40 more; short protein forms S212I, S257I, S276I, S28I, S156I, S196I, S213I, S235I.
Identifiers: ClinVar variation 2703513 (VCV002703513.3), dbSNP rs1462728426, ClinGen allele CA10600120.